The following is an entry in ClinVar:

ClinVar aggregate classification (germline): Uncertain significance (1 of 4 stars; one submission).

Allele frequency attached by ClinVar (database versions not stated): gnomAD 0.00001; ExAC 0.00002; gnomAD exomes 0.00002; TOPMed 0.00002; ESP Exome Variant Server 0.00015.
gnomAD v4.1: 28 of 1,614,028 alleles (0.0017%); highest among the groups gnomAD compares: Non-Finnish European, 0.0023%; no homozygotes.

Submission:

Labcorp Genetics (formerly Invitae), Labcorp
Classification: Uncertain significance. Last evaluated: 2022-03-14. Review status: criteria provided, single submitter. Criteria: Invitae Variant Classification Sherloc (09022015). Collection method: clinical testing. Allele origin: germline.
Comment: This sequence change replaces histidine, which is basic and polar, with arginine, which is basic and polar, at codon 306 of the RCBTB1 protein (p.His306Arg). This variant is present in population databases (rs372857521, gnomAD 0.002%). This variant has not been reported in the literature in individuals affected with RCBTB1-related conditions. Algorithms developed to predict the effect of missense changes on protein structure and function (SIFT, PolyPhen-2, Align-GVGD) all suggest that this variant is likely to be tolerated. In summary, the available evidence is currently insufficient to determine the role of this variant in disease. Therefore, it has been classified as a Variant of Uncertain Significance.

NM_018191.4(RCBTB1):c.917A>G (p.His306Arg)

Gene: RCBTB1 (RCC1 and BTB domain containing protein 1; minus strand). Cytogenetic location: 13q14.2.
Variant type: single nucleotide variant.
Coding change: c.917A>G on transcript NM_018191.4 (MANE Select); coding-DNA position 917, A replaced by G.
Protein change: p.His306Arg; replaces histidine 306 with arginine.
Molecular consequence: missense variant. On other transcripts: non-coding transcript variant (2).
Genome position (GRCh38, 1-based): chr13:49,549,586, T>C on the plus strand (A>G on the coding strand, the complement: RCBTB1 is on the minus strand). VCF-style: chr13-49549586-T-C. GRCh37 (hg19) VCF-style: chr13-50123722-T-C.
Other names: c.917A>G, p.His306Arg (NM_001352500.2, NM_001352501.2, NM_001352502.2 and 3 more transcripts); c.338A>G, p.His113Arg (NM_001352506.2); short protein forms H113R, H306R.
Identifiers: ClinVar variation 2183838 (VCV002183838.1), dbSNP rs372857521, ClinGen allele CA6982738.
Genomic context (GRCh38, chr13:49,549,586, plus strand): 5'-AAGTGGGTGAGGTGCGGGAGGATCACGGACTGACCCCGGCACTGGCCCCACATGTACACG[T>C]GCCCACCCTGCGTCTTGGCTGCAGACGTGTGGGCAGAGTGACAGGCTGCAATCTCTACCA-3'
Protein context (NP_060661.3, residues 296-316): HTSAAKTQGG[His306Arg]VYMWGQCRGQ